The following is an entry in ClinVar:

ClinVar aggregate classification (germline): Uncertain significance (1 of 4 stars; one submission).

Submission:

GeneDx
Classification: Uncertain significance. Last evaluated: 2019-09-04. Review status: criteria provided, single submitter. Criteria: GeneDx Variant Classification Process June 2021. Collection method: clinical testing. Allele origin: germline. Affected: yes.
Comment: Not observed in large population cohorts (Lek et al., 2016); In silico analysis, which includes protein predictors and evolutionary conservation, supports that this variant does not alter protein structure/function; Has not been previously published as pathogenic or benign to our knowledge

NM_145331.3(MAP3K7):c.1448C>T (p.Pro483Leu)

Gene: MAP3K7 (mitogen-activated protein kinase kinase kinase 7; minus strand). Cytogenetic location: 6q15.
Variant type: single nucleotide variant.
Coding change: c.1448C>T on transcript NM_145331.3 (MANE Select); coding-DNA position 1448, C replaced by T.
Protein change: p.Pro483Leu; replaces proline 483 with leucine.
Molecular consequence: missense variant.
Genome position (GRCh38, 1-based): chr6:90,523,692, G>A on the plus strand (C>T on the coding strand, the complement: MAP3K7 is on the minus strand). VCF-style: chr6-90523692-G-A. GRCh37 (hg19) VCF-style: chr6-91233411-G-A.
Other names: c.1367C>T, p.Pro456Leu (NM_003188.4, NM_145333.3); c.1448C>T, p.Pro483Leu (NM_145332.3); short protein forms P456L, P483L.
Identifiers: ClinVar variation 1303930 (VCV001303930.2), dbSNP rs1305343134, ClinGen allele CA365004439.